The following is an entry in ClinVar:

ClinVar aggregate classification (germline): Uncertain significance (1 of 4 stars; one submission).

Conditions:
Hereditary pancreatitis (PCTT). Also called: Hereditary chronic pancreatitis; PRSS1-Related Hereditary Pancreatitis. Identifiers: Orphanet 676, MedGen C0238339, MONDO:0008185, OMIM 167800.

Allele frequency attached by ClinVar (database versions not stated): gnomAD 0.00001; TOPMed 0.00001; ESP Exome Variant Server 0.00015.
gnomAD v4.1: 4 of 1,614,118 alleles (0.00025%); highest among the groups gnomAD compares: African/African-American, 0.0027%; no homozygotes.

Submission:

Ambry Genetics
Classification: Uncertain significance for Hereditary pancreatitis. Last evaluated: 2024-02-20. Review status: criteria provided, single submitter. Criteria: Ambry Variant Classification Scheme 2023. Collection method: clinical testing. Allele origin: germline.
Comment: The p.I148M variant (also known as c.444T>G), located in coding exon 4 of the CPA1 gene, results from a T to G substitution at nucleotide position 444. The isoleucine at codon 148 is replaced by methionine, an amino acid with highly similar properties. This amino acid position is highly conserved in available vertebrate species. In addition, this alteration is predicted to be tolerated by in silico analysis. Since supporting evidence is limited at this time, the clinical significance of this alteration remains unclear.

NM_001868.4(CPA1):c.444T>G (p.Ile148Met)

Gene: CPA1 (carboxypeptidase A1; plus strand). Cytogenetic location: 7q32.2.
Variant type: single nucleotide variant.
Coding change: c.444T>G on transcript NM_001868.4 (MANE Select); coding-DNA position 444, T replaced by G.
Protein change: p.Ile148Met; replaces isoleucine 148 with methionine.
Molecular consequence: missense variant.
Genome position (GRCh38, 1-based): chr7:130,382,170, T>G. VCF-style: chr7-130382170-T-G. GRCh37 (hg19) VCF-style: chr7-130022011-T-G.
Other names: short protein forms I148M.
Identifiers: ClinVar variation 1740697 (VCV001740697.2), dbSNP rs149774597, ClinGen allele CA166885988.